The following is an entry in ClinVar:

ClinVar aggregate classification (germline): Likely benign (1 of 4 stars; one submission).

gnomAD v4.1: 249 of 1,614,286 alleles (0.015%); highest among the groups gnomAD compares: Non-Finnish European, 0.019%; no homozygotes.

Submission:

CeGaT Center for Human Genetics Tuebingen
Classification: Likely benign. Last evaluated: 2026-04-01. Review status: criteria provided, single submitter. Criteria: CeGaT Center For Human Genetics Tuebingen Variant Classification Criteria Version 2. Collection method: clinical testing. Allele origin: germline. Affected: yes. Observed: 1 variant allele.
Comment: SSTR2: BP4, BP7

NM_001050.3(SSTR2):c.261C>T (p.Ile87=)

Gene: SSTR2 (somatostatin receptor 2; plus strand). Cytogenetic location: 17q25.1.
Variant type: single nucleotide variant.
Coding change: c.261C>T on transcript NM_001050.3 (MANE Select); coding-DNA position 261, C replaced by T.
Protein change: p.Ile87=; no amino-acid change (isoleucine 87 retained).
Molecular consequence: synonymous variant.
Genome position (GRCh38, 1-based): chr17:73,169,580, C>T. VCF-style: chr17-73169580-C-T. GRCh37 (hg19) VCF-style: chr17-71165719-C-T.
Identifiers: ClinVar variation 4872291 (VCV004872291.2).